The following is an entry in ClinVar:

ClinVar aggregate classification (germline): Likely pathogenic. Review status: reviewed by expert panel (3 of 4 stars). 2 submissions from 2 submitters: Likely pathogenic (1). 1 of the submissions does not count toward it. Last evaluated 2023-02-13.

Conditions:
Mitochondrial disease. Also called: Mitochondrial disorder; Mitochondrial disorders. Identifiers: Orphanet 68380, MedGen C0751651, MeSH D028361, MONDO:0044970.
Myopathy. Identifiers: MedGen C0026848, MeSH D009135, MONDO:0005336, HP:0003198.

Submissions (2):

ClinGen Mitochondrial Disease Nuclear and Mitochondrial  Variant Curation Expert Panel, ClinGen
Classification: Likely pathogenic for Mitochondrial disease. Last evaluated: 2023-02-13. Review status: reviewed by expert panel. Criteria: McCormick et al. (Hum Mutat. 2020). Collection method: curation. Allele origin: germline. Inheritance: Mitochondrial inheritance.
Comment: The m.15990C>T variant in MT-TP gene has been reported in two unrelated individuals with primary mitochondrial disease (PS4_supporting). The age of onset ranged from the first decade of life to adulthood. Features seen in these individuals include chronic progressive external ophthalmoplegia (CPEO), myopathy, and exercise intolerance (PMIDs: 32305257, 7689388, 8190311). The variant occurred de novo in both individuals (PM6; PMIDs: 7689388, 8190311, 32305257). There are no other large families reported in the medical literature to consider for evidence of segregation. This variant is absent in the GenBank dataset, Helix dataset, and gnomAD v3.1.2 (PM2_supporting). In silico predictors are conflicting as the computational predictor MitoTIP suggests this variant is pathogenic (51.7 percentile) but HmtVAR predicts it to be neutral with a score of 0.1. Single fiber testing in both reported individuals support the functional impact of this variant (PS3_supporting). In one study, there were higher levels of the variant in COX-negative fibers (91-97%) than in COX-positive fibers (63-86%, p= < 0.001; PMID: 7689388). In the other study, there were again higher levels of the variant in COX-negative fibers (89.75 ± 6.84%, n = 20) than in COX-positive fibers (14.00 ± 6.84 %, n = 17; p < 0.001; PMID: 32305257). In summary, this variant meets criteria to be classified as uncertain significance however, after extensive discussion, this Expert Panel elected to modify the classification to likely pathogenic given the consistent phenotype and functional testing performed in each reported individual. This classification was approved by the NICHD/NINDS U24 ClinGen Mitochondrial Disease Variant Curation Expert Panel on February 13, 2022. Mitochondrial DNA-specific ACMG/AMP criteria applied (PMID: 32906214): PS4_supporting, PM2_supporting, PM6, PS3_supporting.

OMIM
Classification: Pathogenic for MYOPATHY. Last evaluated: 1993-07-01. Review status: no assertion criteria provided. Collection method: literature only. Allele origin: germline. Not counted in ClinVar's aggregate classification.

Literature cited by the submitters: PubMed 32305257 (cited by ClinGen Mitochondrial Disease Nuclear and Mitochondrial  Variant Curation Expert Panel, ClinGen); PubMed 7689388 (cited by ClinGen Mitochondrial Disease Nuclear and Mitochondrial  Variant Curation Expert Panel, ClinGen and OMIM).

NC_012920.1(MT-TP):m.15990C>T

Gene: MT-TP (mitochondrially encoded tRNA proline; minus strand).
Variant type: single nucleotide variant.
Genome position: chrM-15990-C-T.
Other names: MTTP, UGG-TO-UGA ANTICODON MUTATION.
Identifiers: ClinVar variation 9570 (VCV000009570.2), dbSNP rs199474699, ClinGen allele CA120549.